The following is an entry in ClinVar:

NM_006306.4(SMC1A):c.3123C>T (p.Thr1041=)

Gene: SMC1A (structural maintenance of chromosomes 1A; minus strand). Cytogenetic location: Xp11.22.
Variant type: single nucleotide variant.
Coding change: c.3123C>T on transcript NM_006306.4 (MANE Select); coding-DNA position 3123, C replaced by T.
Protein change: p.Thr1041=; no amino-acid change (threonine 1041 retained).
Molecular consequence: synonymous variant.
Genome position (GRCh38, 1-based): chrX:53,383,104, G>A on the plus strand (C>T on the coding strand, the complement: SMC1A is on the minus strand). VCF-style: chrX-53383104-G-A. GRCh37 (hg19) VCF-style: chrX-53410025-G-A.
Other names: c.3057C>T, p.Thr1019= (NM_001281463.1).
Identifiers: ClinVar variation 3058110 (VCV003058110.2), dbSNP rs1556886122, ClinGen allele CA516554280.
Genomic context (GRCh38, chrX:53,383,104, plus strand): 5'-TACCCTTAGCCTCTTGTCCTCATCGTAGGCCCAAGTAGAAGGGTAAATCTTACCATCTGA[G>A]GTCTCCTGGAACTTGTCTCGGACACTTTCCAGCTTTTCCATGGCCTTCATGTTGGGGGCG-3'
Protein context (NP_006297.2, residues 1031-1051): LESVRDKFQE[Thr1041=]SDEFEAARKR

ClinVar aggregate classification (germline): Likely benign (0 of 4 stars; one submission).

Conditions:
SMC1A-related disorder. Also called: SMC1A-related condition.

Allele frequency attached by ClinVar (database versions not stated): TOPMed below 0.00001; gnomAD 0.00001; gnomAD exomes 0.00001.
gnomAD v4.1: 10 of 1,207,114 alleles (0.00083%); highest among the groups gnomAD compares: Non-Finnish European, 0.0011%; no homozygotes.

Submission:

PreventionGenetics, part of Exact Sciences
Classification: Likely benign for SMC1A-related condition. Last evaluated: 2021-09-07. Review status: no assertion criteria provided. Collection method: clinical testing. Allele origin: germline.
Comment: This variant is classified as likely benign based on ACMG/AMP sequence variant interpretation guidelines (Richards et al. 2015 PMID: 25741868, with internal and published modifications).